The following is an entry in ClinVar:

ClinVar aggregate classification (germline): Uncertain significance (1 of 4 stars; one submission).

Conditions:
Hereditary cancer-predisposing syndrome. Also called: Hereditary Cancer Syndrome; Hereditary neoplastic syndrome; Neoplastic Syndromes, Hereditary; Tumor predisposition. Identifiers: Orphanet 140162, MedGen C0027672, MeSH D009386, MONDO:0015356.

Submission:

Ambry Genetics
Classification: Uncertain significance for Hereditary cancer-predisposing syndrome. Last evaluated: 2022-04-10. Review status: criteria provided, single submitter. Criteria: Ambry Variant Classification Scheme 2023. Collection method: clinical testing. Allele origin: germline.
Comment: The p.R455L variant (also known as c.1364G>T), located in coding exon 14 of the RB1 gene, results from a G to T substitution at nucleotide position 1364. The arginine at codon 455 is replaced by leucine, an amino acid with dissimilar properties. This amino acid position is conserved. In addition, this alteration is predicted to be deleterious by in silico analysis. Since supporting evidence is limited at this time, the clinical significance of this alteration remains unclear.

NM_000321.3(RB1):c.1364G>T (p.Arg455Leu)

Gene: RB1 (RB transcriptional corepressor 1; plus strand). Cytogenetic location: 13q14.2.
Variant type: single nucleotide variant.
Coding change: c.1364G>T on transcript NM_000321.3 (MANE Select); coding-DNA position 1364, G replaced by T.
Protein change: p.Arg455Leu; replaces arginine 455 with leucine.
Molecular consequence: missense variant.
Genome position (GRCh38, 1-based): chr13:48,379,625, G>T. VCF-style: chr13-48379625-G-T. GRCh37 (hg19) VCF-style: chr13-48953761-G-T.
Other names: c.1364G>T, p.Arg455Leu (NM_001407165.1, NM_001407166.1); short protein forms R455L.
Identifiers: ClinVar variation 1770906 (VCV001770906.2), dbSNP rs769425649, ClinGen allele CA388162597.